The following is an entry in ClinVar:

NM_182972.3(IRF2BP2):c.1502G>A (p.Ser501Asn)

Gene: IRF2BP2 (interferon regulatory factor 2 binding protein 2; minus strand). Cytogenetic location: 1q42.3.
Variant type: single nucleotide variant.
Coding change: c.1502G>A on transcript NM_182972.3 (MANE Select); coding-DNA position 1502, G replaced by A.
Protein change: p.Ser501Asn; replaces serine 501 with asparagine.
Molecular consequence: missense variant.
Genome position (GRCh38, 1-based): chr1:234,607,399, C>T on the plus strand (G>A on the coding strand, the complement: IRF2BP2 is on the minus strand). VCF-style: chr1-234607399-C-T. GRCh37 (hg19) VCF-style: chr1-234743145-C-T.
Other names: c.1454G>A, p.Ser485Asn (NM_001077397.1); short protein forms S485N, S501N.
Identifiers: ClinVar variation 3647586 (VCV003647586.2).
Genomic context (GRCh38, chr1:234,607,399, plus strand): 5'-CACTGCACAAAATGGGTGTCCTCCAGCCGCTCGTGGCAGAGGGTGCAGCACAGCGGGGCA[C>T]TGGTTGCCAGAGAGGAGTCCGGGAGGCTGGCAGGGTGCACTGGCTCCAGTCCTCCTGTGT-3'
Protein context (NP_892017.2, residues 491-511): ASLPDSSLAT[Ser501Asn]APLCCTLCHE

ClinVar aggregate classification (germline): Uncertain significance (1 of 4 stars; one submission).

Submission:

Labcorp Genetics (formerly Invitae), Labcorp
Classification: Uncertain significance. Last evaluated: 2024-05-20. Review status: criteria provided, single submitter. Criteria: Invitae Variant Classification Sherloc (09022015). Collection method: clinical testing. Allele origin: germline.
Comment: This sequence change replaces serine, which is neutral and polar, with asparagine, which is neutral and polar, at codon 501 of the IRF2BP2 protein (p.Ser501Asn). This variant is not present in population databases (gnomAD no frequency). This variant has not been reported in the literature in individuals affected with IRF2BP2-related conditions. An algorithm developed to predict the effect of missense changes on protein structure and function (PolyPhen-2) suggests that this variant is likely to be disruptive. In summary, the available evidence is currently insufficient to determine the role of this variant in disease. Therefore, it has been classified as a Variant of Uncertain Significance.